The following is an entry in ClinVar:

NM_003816.3(ADAM9):c.1270G>A (p.Ala424Thr)

Gene: ADAM9 (ADAM metallopeptidase domain 9; plus strand). Cytogenetic location: 8p11.22.
Variant type: single nucleotide variant.
Coding change: c.1270G>A on transcript NM_003816.3 (MANE Select); coding-DNA position 1270, G replaced by A.
Protein change: p.Ala424Thr; replaces alanine 424 with threonine.
Molecular consequence: missense variant. On other transcripts: non-coding transcript variant (3).
Genome position (GRCh38, 1-based): chr8:39,042,085, G>A. VCF-style: chr8-39042085-G-A. GRCh37 (hg19) VCF-style: chr8-38899604-G-A.
Other names: short protein forms A424T.
Identifiers: ClinVar variation 957706 (VCV000957706.5), dbSNP rs181165713, ClinGen allele CA4721563.

ClinVar aggregate classification (germline): Uncertain significance. Review status: criteria provided, multiple submitters, no conflicts (2 of 4 stars). 2 submissions from 2 submitters: Uncertain significance (2). Last evaluated 2023-11-06.

Conditions:
Inborn genetic diseases. Identifiers: MedGen C0950123, MeSH D030342.

Allele frequency attached by ClinVar (database versions not stated): 1000 Genomes Project 0.00020; 1000 Genomes Project 30x 0.00016.

Submissions (2):

Ambry Genetics
Classification: Uncertain significance for Inborn genetic diseases. Last evaluated: 2023-11-06. Review status: criteria provided, single submitter. Criteria: Ambry Variant Classification Scheme 2023. Collection method: clinical testing. Allele origin: germline.

Labcorp Genetics (formerly Invitae), Labcorp
Classification: Uncertain significance. Last evaluated: 2022-03-10. Review status: criteria provided, single submitter. Criteria: Invitae Variant Classification Sherloc (09022015). Collection method: clinical testing. Allele origin: germline.
Comment: This sequence change replaces alanine, which is neutral and non-polar, with threonine, which is neutral and polar, at codon 424 of the ADAM9 protein (p.Ala424Thr). This variant is present in population databases (rs181165713, gnomAD 0.008%). This variant has not been reported in the literature in individuals affected with ADAM9-related conditions. ClinVar contains an entry for this variant (Variation ID: 957706). Algorithms developed to predict the effect of missense changes on protein structure and function (SIFT, PolyPhen-2, Align-GVGD) all suggest that this variant is likely to be tolerated. In summary, the available evidence is currently insufficient to determine the role of this variant in disease. Therefore, it has been classified as a Variant of Uncertain Significance.